The following is an entry in ClinVar:

NM_000444.6(PHEX):c.589C>T (p.Gln197Ter)

Gene: PHEX (phosphate regulating endopeptidase X-linked; plus strand). Cytogenetic location: Xp22.11.
Variant type: single nucleotide variant.
Coding change: c.589C>T on transcript NM_000444.6 (MANE Select); coding-DNA position 589, C replaced by T.
Protein change: p.Gln197Ter; replaces glutamine 197 with a stop codon.
Molecular consequence: nonsense.
Genome position (GRCh38, 1-based): chrX:22,077,628, C>T. VCF-style: chrX-22077628-C-T. GRCh37 (hg19) VCF-style: chrX-22095746-C-T.
Other names: c.589C>T, p.Gln197Ter (NM_001282754.2); short protein forms Q197*.
Identifiers: ClinVar variation 2915528 (VCV002915528.3), dbSNP rs2519754402, ClinGen allele CA412571548.

ClinVar aggregate classification (germline): Pathogenic (1 of 4 stars; one submission).

Submission:

Labcorp Genetics (formerly Invitae), Labcorp
Classification: Pathogenic. Last evaluated: 2023-08-25. Review status: criteria provided, single submitter. Criteria: Invitae Variant Classification Sherloc (09022015). Collection method: clinical testing. Allele origin: germline.
Comment: For these reasons, this variant has been classified as Pathogenic. This premature translational stop signal has been observed in individual(s) with hypophosphatemic rickets (PMID: 30599486). This variant is not present in population databases (gnomAD no frequency). This sequence change creates a premature translational stop signal (p.Gln197*) in the PHEX gene. It is expected to result in an absent or disrupted protein product. Loss-of-function variants in PHEX are known to be pathogenic (PMID: 9097956, 9106524, 19219621).

Literature cited by the submitters: PubMed 30599486; PubMed 9097956; PubMed 9106524; PubMed 19219621.